The following is an entry in ClinVar:

NM_004984.4(KIF5A):c.1046A>G (p.Glu349Gly)

Gene: KIF5A (kinesin family member 5A; plus strand). Cytogenetic location: 12q13.3.
Variant type: single nucleotide variant.
Coding change: c.1046A>G on transcript NM_004984.4 (MANE Select); coding-DNA position 1046, A replaced by G.
Protein change: p.Glu349Gly; replaces glutamic acid 349 with glycine.
Molecular consequence: missense variant.
Genome position (GRCh38, 1-based): chr12:57,569,612, A>G. VCF-style: chr12-57569612-A-G. GRCh37 (hg19) VCF-style: chr12-57963395-A-G.
Other names: c.779A>G, p.Glu260Gly (NM_001354705.2); short protein forms E260G, E349G.
Identifiers: ClinVar variation 1715919 (VCV001715919.5), dbSNP rs2540500475, ClinGen allele CA385502705.

ClinVar aggregate classification (germline): Uncertain significance (1 of 4 stars; one submission).

Conditions:
Spastic paraplegia. Identifiers: MedGen C0037772, HP:0001258.

Submission:

Labcorp Genetics (formerly Invitae), Labcorp
Classification: Uncertain significance for Spastic paraplegia. Last evaluated: 2022-08-09. Review status: criteria provided, single submitter. Criteria: Invitae Variant Classification Sherloc (09022015). Collection method: clinical testing. Allele origin: germline.
Comment: In summary, the available evidence is currently insufficient to determine the role of this variant in disease. Therefore, it has been classified as a Variant of Uncertain Significance. Algorithms developed to predict the effect of missense changes on protein structure and function are either unavailable or do not agree on the potential impact of this missense change (SIFT: "Deleterious"; PolyPhen-2: "Possibly Damaging"; Align-GVGD: "Class C0"). This variant has not been reported in the literature in individuals affected with KIF5A-related conditions. This variant is not present in population databases (gnomAD no frequency). This sequence change replaces glutamic acid, which is acidic and polar, with glycine, which is neutral and non-polar, at codon 349 of the KIF5A protein (p.Glu349Gly).